The following is an entry in ClinVar:

NM_153676.4(USH1C):c.2579C>T (p.Pro860Leu)

Gene: USH1C (USH1 protein network component harmonin; minus strand). Cytogenetic location: 11p15.1.
Variant type: single nucleotide variant.
Coding change: c.2579C>T on transcript NM_153676.4 (MANE Select); coding-DNA position 2579, C replaced by T.
Protein change: p.Pro860Leu; replaces proline 860 with leucine.
Molecular consequence: missense variant. On other transcripts: intron variant (2).
Genome position (GRCh38, 1-based): chr11:17,495,645, G>A on the plus strand (C>T on the coding strand, the complement: USH1C is on the minus strand). VCF-style: chr11-17495645-G-A. GRCh37 (hg19) VCF-style: chr11-17517192-G-A.
Other names: c.1589+1113C>T (NM_001297764.2); c.1646+1113C>T (NM_005709.4); short protein forms P860L.
Identifiers: ClinVar variation 229606 (VCV000229606.5), dbSNP rs876658112, ClinGen allele CA10576842.

ClinVar aggregate classification (germline): Uncertain significance (1 of 4 stars; one submission).

Submission:

Laboratory for Molecular Medicine, Mass General Brigham Personalized Medicine
Classification: Uncertain significance. Last evaluated: 2015-02-04. Review status: criteria provided, single submitter. Criteria: LMM Criteria. Collection method: clinical testing. Allele origin: germline. Observed: 1 variant allele.
Comment: The p.Pro860Leu variant in USH1C has not been previously reported in individuals with hearing loss or in large population studies. Computational prediction tool s and conservation analysis do not provide strong support for or against an impa ct to the protein. In summary, the clinical significance of the p.Pro860Leu vari ant is uncertain.